The following is an entry in ClinVar:

ClinVar aggregate classification (germline): Uncertain significance. Review status: criteria provided, multiple submitters, no conflicts (2 of 4 stars). 2 submissions from 2 submitters: Uncertain significance (2). Last evaluated 2025-06-07.

Conditions:
Inborn genetic diseases. Identifiers: MedGen C0950123, MeSH D030342.
Charcot-Marie-Tooth disease dominant intermediate F. Identifiers: Orphanet 352670, MedGen C4749463, MONDO:0014074, OMIM 615185.

Allele frequency attached by ClinVar (database versions not stated): gnomAD exomes below 0.00001.
gnomAD v4.1: 2 of 1,614,184 alleles (0.00012%); highest among the groups gnomAD compares: Non-Finnish European, 0.000085%; no homozygotes.

Submissions (2):

Ambry Genetics
Classification: Uncertain significance for Inborn genetic diseases. Last evaluated: 2025-06-07. Review status: criteria provided, single submitter. Criteria: Ambry Variant Classification Scheme 2023. Collection method: clinical testing. Allele origin: germline.

Labcorp Genetics (formerly Invitae), Labcorp
Classification: Uncertain significance for Charcot-Marie-Tooth disease dominant intermediate F. Last evaluated: 2023-11-06. Review status: criteria provided, single submitter. Criteria: Invitae Variant Classification Sherloc (09022015). Collection method: clinical testing. Allele origin: germline.
Comment: This sequence change replaces valine, which is neutral and non-polar, with alanine, which is neutral and non-polar, at codon 187 of the GNB4 protein (p.Val187Ala). This variant is not present in population databases (gnomAD no frequency). This variant has not been reported in the literature in individuals affected with GNB4-related conditions. Advanced modeling of protein sequence and biophysical properties (such as structural, functional, and spatial information, amino acid conservation, physicochemical variation, residue mobility, and thermodynamic stability) performed at Invitae indicates that this missense variant is expected to disrupt GNB4 protein function with a positive predictive value of 80%. In summary, the available evidence is currently insufficient to determine the role of this variant in disease. Therefore, it has been classified as a Variant of Uncertain Significance.

NM_021629.4(GNB4):c.560T>C (p.Val187Ala)

Gene: GNB4 (G protein subunit beta 4; minus strand). Cytogenetic location: 3q26.33.
Variant type: single nucleotide variant.
Coding change: c.560T>C on transcript NM_021629.4 (MANE Select); coding-DNA position 560, T replaced by C.
Protein change: p.Val187Ala; replaces valine 187 with alanine.
Molecular consequence: missense variant.
Genome position (GRCh38, 1-based): chr3:179,413,551, A>G on the plus strand (T>C on the coding strand, the complement: GNB4 is on the minus strand). VCF-style: chr3-179413551-A-G. GRCh37 (hg19) VCF-style: chr3-179131339-A-G.
Other names: c.560T>C (NM_021629.3); short protein forms V187A.
Identifiers: ClinVar variation 2919444 (VCV002919444.4), dbSNP rs1714711319, ClinGen allele CA355469544.